The following is an entry in ClinVar:

NM_020975.6(RET):c.1046C>G (p.Ala349Gly)

Gene: RET (ret proto-oncogene; plus strand). Cytogenetic location: 10q11.21.
Variant type: single nucleotide variant.
Coding change: c.1046C>G on transcript NM_020975.6 (MANE Select); coding-DNA position 1046, C replaced by G.
Protein change: p.Ala349Gly; replaces alanine 349 with glycine.
Molecular consequence: missense variant.
Genome position (GRCh38, 1-based): chr10:43,106,554, C>G. VCF-style: chr10-43106554-C-G. GRCh37 (hg19) VCF-style: chr10-43602002-C-G.
Other names: c.1046C>G, p.Ala349Gly (NM_001406759.1, NM_001406760.1, NM_001406763.1 and 6 more transcripts); c.917C>G, p.Ala306Gly (NM_001406761.1, NM_001406762.1, NM_001406764.1 and 1 more transcripts); c.758C>G, p.Ala253Gly (NM_001406766.1, NM_001406767.1, NM_001406770.1); c.284C>G, p.Ala95Gly (NM_001355216.2); short protein forms A349G, A95G, A253G, A306G.
Identifiers: ClinVar variation 1019731 (VCV001019731.13), dbSNP rs754859905, ClinGen allele CA030864.
Genomic context (GRCh38, chr10:43,106,554, plus strand): 5'-TCCGGGTGGAACACTGGCCCAACGAGACCTCGGTCCAGGCCAACGGCAGCTTCGTGCGGG[C>G]GACCGTACATGACTATAGTAAGAGGGGCTGGTGGCACGGCCTGGCTAGGCCCCCAGGAAA-3'
Protein context (NP_066124.1, residues 339-359): SVQANGSFVR[Ala349Gly]TVHDYRLVLN

ClinVar aggregate classification (germline): Uncertain significance. Review status: criteria provided, multiple submitters, no conflicts (2 of 4 stars). 4 submissions from 4 submitters: Uncertain significance (4). Last evaluated 2025-11-10.

Conditions:
Multiple endocrine neoplasia type 2B. Also called: Multiple endocrine neoplasia, type 3; MEN 2B; MULTIPLE ENDOCRINE NEOPLASIA, TYPE IIB; MUCOSAL NEUROMA SYNDROME; Multiple Endocrine Neoplasia Type 2B (MEN2B); MEN IIB. Identifiers: Orphanet 247709, Orphanet 653, MedGen C0025269, MeSH D018814, MONDO:0008082, OMIM 162300.
Hirschsprung disease, susceptibility to, 1 (HSCR1). Also called: RET-Related Hirschsprung Disease. Identifiers: Orphanet 388, MedGen C3888239, MONDO:0007723, OMIM 142623.
Pheochromocytoma. Also called: MAX-Related Hereditary Paraganglioma-Pheochromocytoma Syndrome. Identifiers: Orphanet 29072, MedGen C0031511, MONDO:0008233, OMIM 171300, HP:0002666.
Multiple endocrine neoplasia type 2A. Also called: MULTIPLE ENDOCRINE NEOPLASIA, TYPE IIA; PTC SYNDROME; SIPPLE SYNDROME; MEN 2A; MEN-2A syndrome; Pheochromocytoma and amyloid producing medullary thyroid carcinoma. Identifiers: Orphanet 247698, Orphanet 653, MedGen C0025268, MeSH D018813, MONDO:0008234, OMIM 171400.
Familial medullary thyroid carcinoma (MTC). Also called: Thyroid cancer, familial medullary; MTC, familial; Familial Medullary Thyroid Carcinoma (FMTC). Identifiers: Orphanet 653, Orphanet 99361, MedGen C1833921, MONDO:0007958, OMIM 155240.
Hereditary cancer-predisposing syndrome. Also called: Hereditary Cancer Syndrome; Hereditary neoplastic syndrome; Tumor predisposition; Neoplastic Syndromes, Hereditary. Identifiers: Orphanet 140162, MedGen C0027672, MeSH D009386, MONDO:0015356.
Multiple endocrine neoplasia, type 2 (MEN2). Identifiers: Orphanet 653, MedGen C4048306, MONDO:0019003. Disease mechanism: gain of function.

Allele frequency attached by ClinVar (database versions not stated): TOPMed 0.00002.

Submissions (4):

Ambry Genetics
Classification: Uncertain significance for Hereditary cancer-predisposing syndrome. Last evaluated: 2025-11-10. Review status: criteria provided, single submitter. Criteria: Ambry Variant Classification Scheme 2023. Collection method: clinical testing. Allele origin: germline.
Comment: The p.A349G variant (also known as c.1046C>G), located in coding exon 5 of the RET gene, results from a C to G substitution at nucleotide position 1046. The alanine at codon 349 is replaced by glycine, an amino acid with similar properties. This amino acid position is well conserved in available vertebrate species. In addition, this alteration is predicted to be tolerated by in silico analysis. Based on the available evidence, the clinical significance of this variant remains unclear.

Fulgent Genetics
Classification: Uncertain significance for Hirschsprung disease, susceptibility to, 1; Familial medullary thyroid carcinoma; Multiple endocrine neoplasia type 2B; Pheochromocytoma; Multiple endocrine neoplasia type 2A. Last evaluated: 2024-03-20. Review status: criteria provided, single submitter. Criteria: ACMG Guidelines, 2015. Collection method: clinical testing. Allele origin: germline.

All of Us Research Program, National Institutes of Health
Classification: Uncertain significance for Multiple endocrine neoplasia, type 2. Last evaluated: 2024-03-05. Review status: criteria provided, single submitter. Criteria: ACMG Guidelines, 2015. Collection method: clinical testing. Allele origin: germline. Inheritance: Autosomal dominant inheritance. Observed: 1 variant allele, 1 heterozygote.
Comment: This study involves interpretation of variants in research participants for the purpose of population health screening. Participant phenotype was not available at the time of variant classification. Additional details can be found in publication PMID: 35346344, PMCID: PMC8962531

Labcorp Genetics (formerly Invitae), Labcorp
Classification: Uncertain significance for Multiple endocrine neoplasia, type 2. Last evaluated: 2022-08-19. Review status: criteria provided, single submitter. Criteria: Invitae Variant Classification Sherloc (09022015). Collection method: clinical testing. Allele origin: germline.
Comment: In summary, the available evidence is currently insufficient to determine the role of this variant in disease. Therefore, it has been classified as a Variant of Uncertain Significance. Algorithms developed to predict the effect of missense changes on protein structure and function (SIFT, PolyPhen-2, Align-GVGD) all suggest that this variant is likely to be tolerated. ClinVar contains an entry for this variant (Variation ID: 1019731). This variant has not been reported in the literature in individuals affected with RET-related conditions. This variant is not present in population databases (gnomAD no frequency). This sequence change replaces alanine, which is neutral and non-polar, with glycine, which is neutral and non-polar, at codon 349 of the RET protein (p.Ala349Gly).